The following is an entry in ClinVar:

ClinVar aggregate classification (germline): Uncertain significance (1 of 4 stars; one submission).

gnomAD v4.1: 1 of 1,604,440 alleles (0.000062%); highest among the groups gnomAD compares: Non-Finnish European, 0.000085%; no homozygotes.

Submission:

GeneDx
Classification: Uncertain significance. Last evaluated: 2026-02-18. Review status: criteria provided, single submitter. Criteria: GeneDx Variant Classification Process June 2021. Collection method: clinical testing. Allele origin: germline.
Comment: Not observed at significant frequency in large population cohorts (gnomAD); In silico analysis supports that this missense variant has a deleterious effect on protein structure/function; Has not been previously published as pathogenic or benign to our knowledge.

NM_006178.4(NSF):c.1745G>A (p.Cys582Tyr)

Genes: NSF (N-ethylmaleimide sensitive factor, vesicle fusing ATPase; plus strand), LRRC37A2 (leucine rich repeat containing 37 member A2). Cytogenetic location: 17q21.31.
Variant type: single nucleotide variant.
Coding change: c.1745G>A on transcript NM_006178.4 (MANE Select); coding-DNA position 1745, G replaced by A.
Protein change: p.Cys582Tyr; replaces cysteine 582 with tyrosine.
Molecular consequence: missense variant. On other transcripts: non-coding transcript variant (1).
Genome position (GRCh38, 1-based): chr17:46,713,970, G>A. VCF-style: chr17-46713970-G-A. GRCh37 (hg19) VCF-style: chr17-44791336-G-A.
Other names: short protein forms C582Y.
Identifiers: ClinVar variation 5009396 (VCV005009396.1).